The following is an entry in ClinVar:

NM_001909.5(CTSD):c.76C>A (p.Leu26Met)

Genes: CTSD (cathepsin D; minus strand), PRADX (PRC2 and DDX5 associated lncRNA; plus strand). Cytogenetic location: 11p15.5.
Variant type: single nucleotide variant.
Coding change: c.76C>A on transcript NM_001909.5 (MANE Select); coding-DNA position 76, C replaced by A.
Protein change: p.Leu26Met; replaces leucine 26 with methionine.
Molecular consequence: missense variant.
Genome position (GRCh38, 1-based): chr11:1,761,461, G>T on the plus strand (C>A on the coding strand, the complement: CTSD is on the minus strand). VCF-style: chr11-1761461-G-T. GRCh37 (hg19) VCF-style: chr11-1782691-G-T.
Other names: short protein forms L26M.
Identifiers: ClinVar variation 546437 (VCV000546437.2), dbSNP rs1029534680, ClinGen allele CA216181046.

ClinVar aggregate classification (germline): Uncertain significance (1 of 4 stars; one submission).

Submission:

GeneDx
Classification: Uncertain significance. Last evaluated: 2018-05-22. Review status: criteria provided, single submitter. Criteria: GeneDx Variant Classification (06012015). Collection method: clinical testing. Allele origin: germline. Affected: yes.
Comment: A variant of uncertain significance has been identified in the CTSD gene. The L26M variant has not been published as a pathogenic variant, nor has it been reported as a benign variant to our knowledge. The L26M variant is not observed in large population cohorts (Lek et al., 2016). However, the L26M variant is a conservative amino acid substitution, which is not likely to impact secondary protein structure as these residues share similar properties. In-silico analyses, including protein predictors and evolutionary conservation, support that this variant does not alter protein structure/function. Therefore, based on the currently available information, it is unclear whether this variant is a pathogenic variant or a rare benign variant.